The following is an entry in ClinVar:

ClinVar aggregate classification (germline): Uncertain significance. Review status: criteria provided, multiple submitters, no conflicts (2 of 4 stars). 6 submissions from 6 submitters: Uncertain significance (6). Last evaluated 2025-08-28.

Conditions:
Megacystis-microcolon-intestinal hypoperistalsis syndrome 1. Identifiers: MedGen C5542316, MONDO:0100354, OMIM 249210.
Aortic aneurysm, familial thoracic 7 (AAT7). Also called: AORTIC DISSECTION, FAMILIAL, WITH OR WITHOUT AORTIC ANEURYSM. Identifiers: MedGen C3151077, MONDO:0013418, OMIM 613780.
Familial thoracic aortic aneurysm and aortic dissection (TAAD). Also called: Thoracic aortic aneurysms and dissections. Identifiers: Orphanet 91387, MedGen C4707243, MONDO:0019625.

Allele frequency attached by ClinVar (database versions not stated): gnomAD exomes below 0.00001 and 0.00004; gnomAD 0.00001; TOPMed 0.00002.
gnomAD v4.1: 60 of 1,614,078 alleles (0.0037%); highest among the groups gnomAD compares: Non-Finnish European, 0.0048%; no homozygotes.

Submissions (6):

Ambry Genetics
Classification: Uncertain significance for Familial thoracic aortic aneurysm and aortic dissection. Last evaluated: 2025-08-28. Review status: criteria provided, single submitter. Criteria: Ambry Variant Classification Scheme 2023. Collection method: clinical testing. Allele origin: germline.
Comment: The p.G494S variant (also known as c.1480G>A), located in coding exon 8 of the MYLK gene, results from a G to A substitution at nucleotide position 1480. The glycine at codon 494 is replaced by serine, an amino acid with similar properties. This amino acid position is conserved. In addition, the in silico prediction for this alteration is inconclusive. Based on the available evidence, the clinical significance of this variant remains unclear.

Blueprint Genetics
Classification: Uncertain significance. Last evaluated: 2023-12-01. Review status: criteria provided, single submitter. Criteria: ACMG Guidelines, 2015. Collection method: clinical testing. Allele origin: germline.

Labcorp Genetics (formerly Invitae), Labcorp
Classification: Uncertain significance for Aortic aneurysm, familial thoracic 7. Last evaluated: 2021-11-02. Review status: criteria provided, single submitter. Criteria: Invitae Variant Classification Sherloc (09022015). Collection method: clinical testing. Allele origin: germline.
Comment: This sequence change replaces glycine, which is neutral and non-polar, with serine, which is neutral and polar, at codon 494 of the MYLK protein (p.Gly494Ser). This variant is present in population databases (no rsID available, gnomAD 0.003%). This variant has not been reported in the literature in individuals affected with MYLK-related conditions. ClinVar contains an entry for this variant (Variation ID: 902520). Advanced modeling of protein sequence and biophysical properties (such as structural, functional, and spatial information, amino acid conservation, physicochemical variation, residue mobility, and thermodynamic stability) performed at Invitae indicates that this missense variant is not expected to disrupt MYLK protein function. Algorithms developed to predict the effect of sequence changes on RNA splicing suggest that this variant may create or strengthen a splice site. In summary, the available evidence is currently insufficient to determine the role of this variant in disease. Therefore, it has been classified as a Variant of Uncertain Significance.

Fulgent Genetics
Classification: Uncertain significance for Megacystis-microcolon-intestinal hypoperistalsis syndrome 1; Aortic aneurysm, familial thoracic 7. Last evaluated: 2021-09-14. Review status: criteria provided, single submitter. Criteria: ACMG Guidelines, 2015. Collection method: clinical testing. Allele origin: unknown.

GeneDx
Classification: Uncertain significance. Last evaluated: 2019-12-06. Review status: criteria provided, single submitter. Criteria: GeneDx Variant Classification Process June 2021. Collection method: clinical testing. Allele origin: germline. Affected: yes.
Comment: Has not been previously published as pathogenic or benign to our knowledge; In silico analysis, which includes protein predictors and evolutionary conservation, supports a deleterious effect; Not observed at a significant frequency in large population cohorts (Lek et al., 2016)

Illumina Laboratory Services, Illumina
Classification: Uncertain significance for Aortic aneurysm, familial thoracic 7. Last evaluated: 2018-01-13. Review status: criteria provided, single submitter. Criteria: ICSL Variant Classification Criteria 13 December 2019. Collection method: clinical testing. Allele origin: germline.

NM_053025.4(MYLK):c.1480G>A (p.Gly494Ser)

Gene: MYLK (myosin light chain kinase; minus strand). Cytogenetic location: 3q21.1.
Variant type: single nucleotide variant.
Coding change: c.1480G>A on transcript NM_053025.4 (MANE Select); coding-DNA position 1480, G replaced by A.
Protein change: p.Gly494Ser; replaces glycine 494 with serine.
Molecular consequence: missense variant. On other transcripts: intron variant (2).
Genome position (GRCh38, 1-based): chr3:123,732,932, C>T on the plus strand (G>A on the coding strand, the complement: MYLK is on the minus strand). VCF-style: chr3-123732932-C-T. GRCh37 (hg19) VCF-style: chr3-123451779-C-T.
Other names: c.952G>A, p.Gly318Ser (NM_001321309.2); c.1480G>A, p.Gly494Ser (NM_053027.4); c.1309+755G>A (NM_053028.4, NM_053026.4); short protein forms G494S, G318S.
Identifiers: ClinVar variation 902520 (VCV000902520.12), dbSNP rs1002989047, ClinGen allele CA82942553.